The following is an entry in ClinVar:

NM_000059.4(BRCA2):c.5698dup (p.Ser1900fs)

Gene: BRCA2 (BRCA2 DNA repair associated; plus strand). Cytogenetic location: 13q13.1.
Variant type: Duplication.
Coding change: c.5698dup on transcript NM_000059.4 (MANE Select); coding-DNA position 5698, one base duplicated (T; older notation c.5698dupT).
Protein change: p.Ser1900fs; shifts the reading frame from serine 1900.
Molecular consequence: frameshift variant.
Genome position (GRCh38, 1-based): chr13:32,340,053, T duplicated; the last of 2 consecutive T bases (chr13:32,340,052-32,340,053); duplicating either gives the same sequence. VCF-style (leftmost placement, unchanged base first): chr13-32340051-A-AT. GRCh37 (hg19) VCF-style: chr13-32914188-A-AT.
Other names: short protein forms S1900fs.
Identifiers: ClinVar variation 842600 (VCV000842600.10), dbSNP rs2072536108, ClinGen allele CA916080043.
Genomic context (GRCh38, chr13:32,340,051, plus strand): 5'-AGAATAAATCAAAAATTTGCCAAACGAAAATTATGGCAGGTTGTTACGAGGCATTGGATG[A>AT]TTCAGAGGATATTCTTCATAACTCTCTAGATAATGATGAATGTAGCACGCATTCACATAA-3'

ClinVar aggregate classification (germline): Pathogenic (1 of 4 stars; one submission).

Conditions:
Hereditary breast ovarian cancer syndrome. Also called: Breast and ovarian cancer; Hereditary breast and ovarian cancer syndrome; Hereditary breast and ovarian cancer syndrome (HBOC); BRCA1- and BRCA2-Associated Hereditary Breast and Ovarian Cancer; Hereditary breast and ovarian cancer; Hereditary breast and/or ovarian cancer syndrome. Identifiers: Orphanet 145, MedGen C0677776, MeSH D061325, MONDO:0003582. Disease mechanism: loss of function.

Submission:

Labcorp Genetics (formerly Invitae), Labcorp
Classification: Pathogenic for Hereditary breast ovarian cancer syndrome. Last evaluated: 2021-05-10. Review status: criteria provided, single submitter. Criteria: Invitae Variant Classification Sherloc (09022015). Collection method: clinical testing. Allele origin: germline.
Comment: For these reasons, this variant has been classified as Pathogenic. Loss-of-function variants in BRCA2 are known to be pathogenic (PMID: 20104584). This variant has not been reported in the literature in individuals with BRCA2-related conditions. This variant is not present in population databases (ExAC no frequency). This sequence change creates a premature translational stop signal (p.Ser1900Phefs*7) in the BRCA2 gene. It is expected to result in an absent or disrupted protein product.

Literature cited by the submitters: PubMed 20104584.